The following is an entry in ClinVar:

ClinVar aggregate classification (germline): Uncertain significance. Review status: criteria provided, multiple submitters, no conflicts (2 of 4 stars). 2 submissions from 2 submitters: Uncertain significance (2). Last evaluated 2025-08-30.

Conditions:
Neurofibromatosis, type 2 (SWNV). Also called: BILATERAL ACOUSTIC NEUROFIBROMATOSIS; SCHWANNOMATOSIS, VESTIBULAR; NF2-Related Schwannomatosis. Identifiers: Orphanet 637, MedGen C0027832, MONDO:0007039, OMIM 101000. Disease mechanism: loss of function.
Hereditary cancer-predisposing syndrome. Also called: Tumor predisposition; Neoplastic Syndromes, Hereditary; Hereditary Cancer Syndrome; Hereditary neoplastic syndrome. Identifiers: Orphanet 140162, MedGen C0027672, MeSH D009386, MONDO:0015356.

Submissions (2):

Ambry Genetics
Classification: Uncertain significance for Hereditary cancer-predisposing syndrome. Last evaluated: 2025-08-30. Review status: criteria provided, single submitter. Criteria: Ambry Variant Classification Scheme 2023. Collection method: clinical testing. Allele origin: germline.
Comment: The p.L473M variant (also known as c.1417C>A), located in coding exon 13 of the NF2 gene, results from a C to A substitution at nucleotide position 1417. The leucine at codon 473 is replaced by methionine, an amino acid with highly similar properties. This amino acid position is conserved. In addition, the in silico prediction for this alteration is inconclusive. Based on the available evidence, the clinical significance of this variant remains unclear.

Labcorp Genetics (formerly Invitae), Labcorp
Classification: Uncertain significance for Neurofibromatosis, type 2. Last evaluated: 2021-02-14. Review status: criteria provided, single submitter. Criteria: Invitae Variant Classification Sherloc (09022015). Collection method: clinical testing. Allele origin: germline.
Comment: This sequence change replaces leucine with methionine at codon 473 of the NF2 protein (p.Leu473Met). The leucine residue is highly conserved and there is a small physicochemical difference between leucine and methionine. This variant is not present in population databases (ExAC no frequency). This variant has not been reported in the literature in individuals with NF2-related conditions. Algorithms developed to predict the effect of missense changes on protein structure and function (SIFT, PolyPhen-2, Align-GVGD) all suggest that this variant is likely to be tolerated, but these predictions have not been confirmed by published functional studies and their clinical significance is uncertain. In summary, the available evidence is currently insufficient to determine the role of this variant in disease. Therefore, it has been classified as a Variant of Uncertain Significance.

NM_000268.4(NF2):c.1417C>A (p.Leu473Met)

Gene: NF2 (NF2, moesin-ezrin-radixin like (MERLIN) tumor suppressor; plus strand). Cytogenetic location: 22q12.2.
Variant type: single nucleotide variant.
Coding change: c.1417C>A on transcript NM_000268.4 (MANE Select); coding-DNA position 1417, C replaced by A.
Protein change: p.Leu473Met; replaces leucine 473 with methionine.
Molecular consequence: missense variant. On other transcripts: non-coding transcript variant (1), intron variant (1).
Genome position (GRCh38, 1-based): chr22:29,674,912, C>A. VCF-style: chr22-29674912-C-A. GRCh37 (hg19) VCF-style: chr22-30070901-C-A.
Other names: c.1417C>A, p.Leu473Met (NM_016418.5, NM_181825.3, NM_181832.3); c.1291C>A, p.Leu431Met (NM_181828.3); c.1294C>A, p.Leu432Met (NM_181829.3); c.1168C>A, p.Leu390Met (NM_181830.3, NM_181831.3); c.448-19840C>A (NM_181833.3); c.1417C>A (NM_000268.3); short protein forms L432M, L431M, L390M, L473M.
Identifiers: ClinVar variation 1472464 (VCV001472464.9), dbSNP rs2147093444, ClinGen allele CA411149134.
Genomic context (GRCh38, chr22:29,674,912, plus strand): 5'-CAGCTGAAGCAGGACCTGCAGGAAGCACGCGAGGCGGAGCGAAGAGCCAAGCAGAAGCTC[C>A]TGGAGATTGCCACCAAGCCCACGTACCCGGTGAGCCTGGGGGCCACCAGCTGGGGCTGCC-3'
Protein context (NP_000259.1, residues 463-483): EAERRAKQKL[Leu473Met]EIATKPTYPP